The following is an entry in ClinVar:

ClinVar aggregate classification (germline): Uncertain significance. Review status: criteria provided, multiple submitters, no conflicts (2 of 4 stars). 2 submissions from 2 submitters: Uncertain significance (2). Last evaluated 2024-10-07.

Conditions:
Long QT syndrome (LQTS). Identifiers: MedGen C0023976, MeSH D008133, MONDO:0002442. Disease mechanism: loss of function. Inheritance: Various modes of inheritance.

Allele frequency attached by ClinVar (database versions not stated): gnomAD exomes 0.00001 and below 0.00001; TOPMed below 0.00001; ExAC 0.00001.
gnomAD v4.1: 3 of 1,613,730 alleles (0.00019%); highest among the groups gnomAD compares: Admixed American, 0.0033%; no homozygotes.

Submissions (2):

Labcorp Genetics (formerly Invitae), Labcorp
Classification: Uncertain significance for Long QT syndrome. Last evaluated: 2024-10-07. Review status: criteria provided, single submitter. Criteria: Invitae Variant Classification Sherloc (09022015). Collection method: clinical testing. Allele origin: germline.
Comment: This sequence change replaces proline, which is neutral and non-polar, with serine, which is neutral and polar, at codon 1437 of the CACNA1C protein (p.Pro1437Ser). This variant is present in population databases (rs398123522, gnomAD 0.006%). This variant has not been reported in the literature in individuals affected with CACNA1C-related conditions. ClinVar contains an entry for this variant (Variation ID: 93406). Invitae Evidence Modeling of protein sequence and biophysical properties (such as structural, functional, and spatial information, amino acid conservation, physicochemical variation, residue mobility, and thermodynamic stability) indicates that this missense variant is not expected to disrupt CACNA1C protein function with a negative predictive value of 95%. In summary, the available evidence is currently insufficient to determine the role of this variant in disease. Therefore, it has been classified as a Variant of Uncertain Significance.

Eurofins Ntd Llc (ga)
Classification: Uncertain significance. Last evaluated: 2017-12-21. Review status: criteria provided, single submitter. Criteria: EGL Classification Definitions 2015. Collection method: clinical testing. Allele origin: germline. Observed: 1 variant allele, 1 heterozygote.

NM_000719.7(CACNA1C):c.4309C>T (p.Pro1437Ser)

Gene: CACNA1C (calcium voltage-gated channel subunit alpha1 C; plus strand). Cytogenetic location: 12p13.33.
Variant type: single nucleotide variant.
Coding change: c.4309C>T on transcript NM_000719.7 (MANE Select); coding-DNA position 4309, C replaced by T.
Protein change: p.Pro1437Ser; replaces proline 1437 with serine.
Molecular consequence: missense variant.
Genome position (GRCh38, 1-based): chr12:2,664,901, C>T. VCF-style: chr12-2664901-C-T. GRCh37 (hg19) VCF-style: chr12-2774067-C-T.
Other names: c.4393C>T, p.Pro1465Ser (NM_001129831.2); c.4369C>T, p.Pro1457Ser (NM_001129832.2); c.4309C>T, p.Pro1437Ser (NM_001129833.2, NM_001129834.2, NM_001129835.2 and 7 more transcripts); c.4360C>T, p.Pro1454Ser (NM_001129836.2); c.4276C>T, p.Pro1426Ser (NM_001129837.2, NM_001129838.2, NM_001129846.2 and 1 more transcripts); c.4270C>T, p.Pro1424Ser (NM_001129839.2); c.4453C>T, p.Pro1485Ser (NM_001129827.2, NM_199460.4); c.4375C>T, p.Pro1459Ser (NM_001129829.2); and 1 more; short protein forms P1437S, P1485S, P1426S, P1459S, P1465S, P1424S, P1457S, P1434S.
Identifiers: ClinVar variation 93406 (VCV000093406.8), dbSNP rs398123522, ClinGen allele CA221327.